The following is an entry in ClinVar:

NM_001009944.3(PKD1):c.6184C>T (p.Gln2062Ter)

Gene: PKD1 (polycystin 1, transient receptor potential channel interacting; minus strand). Cytogenetic location: 16p13.3.
Variant type: single nucleotide variant.
Coding change: c.6184C>T on transcript NM_001009944.3 (MANE Select); coding-DNA position 6184, C replaced by T.
Protein change: p.Gln2062Ter; replaces glutamine 2062 with a stop codon.
Molecular consequence: nonsense.
Genome position (GRCh38, 1-based): chr16:2,108,983, G>A on the plus strand (C>T on the coding strand, the complement: PKD1 is on the minus strand). VCF-style: chr16-2108983-G-A. GRCh37 (hg19) VCF-style: chr16-2158984-G-A.
Other names: c.6184C>T, p.Gln2062Ter (NM_000296.4); short protein forms Q2062*.
Identifiers: ClinVar variation 1254781 (VCV001254781.5), dbSNP rs750843149, ClinGen allele CA7831688.

ClinVar aggregate classification (germline): Pathogenic. Review status: criteria provided, multiple submitters, no conflicts (2 of 4 stars). 3 submissions from 3 submitters: Pathogenic (3). Last evaluated 2024-05-09.

Conditions:
PKD1-related disorder. Also called: PKD1-related condition.

Allele frequency attached by ClinVar (database versions not stated): ExAC 0.00001.
gnomAD v4.1: 1 of 1,610,218 alleles (0.000062%); highest among the groups gnomAD compares: South Asian, 0.0011%; no homozygotes.

Submissions (3):

GeneDx
Classification: Pathogenic. Last evaluated: 2024-05-09. Review status: criteria provided, single submitter. Criteria: GeneDx Variant Classification Process June 2021. Collection method: clinical testing. Allele origin: germline. Affected: yes.
Comment: Nonsense variant predicted to result in protein truncation or nonsense mediated decay in a gene for which loss-of-function is a known mechanism of disease; Not observed at significant frequency in large population cohorts (gnomAD); This variant is associated with the following publications: (PMID: 31807928, 36938073, 34746741, 27499327)

PreventionGenetics, part of Exact Sciences
Classification: Pathogenic for PKD1-related condition. Last evaluated: 2023-04-16. Review status: criteria provided, single submitter. Criteria: ACMG Guidelines, 2015. Collection method: clinical testing. Allele origin: germline.
Comment: The PKD1 c.6184C>T variant is predicted to result in premature protein termination (p.Gln2062*). This variant has been reported in individuals with polycystic kidney disease 1 (Table S3, Carrera et al 2016. PubMed ID: 27499327; Pinto e Vairo et al. 2021. PubMed ID: 34746741). This variant is reported in 0.0033% of alleles in individuals of South Asian descent in gnomAD. This variant falls within a highly paralogous region. Allele frequency data should be interpreted with caution. Nonsense variants in PKD1 are expected to be pathogenic. This variant is interpreted as pathogenic.

Blueprint Genetics
Classification: Pathogenic for PKD1-related disorders. Last evaluated: 2020-11-04. Review status: criteria provided, single submitter. Criteria: ACMG Guidelines, 2015. Collection method: clinical testing. Allele origin: germline. Affected: yes. Observed: 1 variant allele.